The following is an entry in ClinVar:

ClinVar aggregate classification (germline): Uncertain significance. Review status: criteria provided, multiple submitters, no conflicts (2 of 4 stars). 3 submissions from 3 submitters: Uncertain significance (3). Last evaluated 2022-09-06.

Conditions:
Nephronophthisis. Also called: Juvenile Nephronophthisis. Identifiers: Orphanet 655, MedGen C0687120, MONDO:0019005, HP:0000090.
Infantile nephronophthisis (NPHP2). Also called: Nephronophthisis 2; Nephronophthisis 2, infantile. Identifiers: Orphanet 655, Orphanet 93591, MedGen C1865872, MONDO:0011190, OMIM 602088.

Submissions (3):

Labcorp Genetics (formerly Invitae), Labcorp
Classification: Uncertain significance for Nephronophthisis. Last evaluated: 2022-09-06. Review status: criteria provided, single submitter. Criteria: Invitae Variant Classification Sherloc (09022015). Collection method: clinical testing. Allele origin: germline.
Comment: This variant is not present in population databases (gnomAD no frequency). This sequence change replaces asparagine, which is neutral and polar, with serine, which is neutral and polar, at codon 499 of the INVS protein (p.Asn499Ser). This variant has not been reported in the literature in individuals affected with INVS-related conditions. In summary, the available evidence is currently insufficient to determine the role of this variant in disease. Therefore, it has been classified as a Variant of Uncertain Significance. Algorithms developed to predict the effect of sequence changes on RNA splicing suggest that this variant may create or strengthen a splice site. Algorithms developed to predict the effect of missense changes on protein structure and function are either unavailable or do not agree on the potential impact of this missense change (SIFT: "Deleterious"; PolyPhen-2: "Benign"; Align-GVGD: "Class C0"). ClinVar contains an entry for this variant (Variation ID: 596575).

Fulgent Genetics
Classification: Uncertain significance for Infantile nephronophthisis. Last evaluated: 2022-04-05. Review status: criteria provided, single submitter. Criteria: ACMG Guidelines, 2015. Collection method: clinical testing. Allele origin: unknown.

Eurofins Ntd Llc (ga)
Classification: Uncertain significance. Last evaluated: 2018-04-05. Review status: criteria provided, single submitter. Criteria: EGL ClinVar v180209 classification definitions. Collection method: clinical testing. Allele origin: germline. Observed: 1 variant allele, 1 heterozygote.

NM_014425.5(INVS):c.1496A>G (p.Asn499Ser)

Gene: INVS (inversin; plus strand). Cytogenetic location: 9q31.1.
Variant type: single nucleotide variant.
Coding change: c.1496A>G on transcript NM_014425.5 (MANE Select); coding-DNA position 1496, A replaced by G.
Protein change: p.Asn499Ser; replaces asparagine 499 with serine.
Molecular consequence: missense variant. On other transcripts: non-coding transcript variant (1).
Genome position (GRCh38, 1-based): chr9:100,264,853, A>G. VCF-style: chr9-100264853-A-G. GRCh37 (hg19) VCF-style: chr9-103027135-A-G.
Other names: c.1208A>G, p.Asn403Ser (NM_001318381.2); c.518A>G, p.Asn173Ser (NM_001318382.2); short protein forms N499S, N173S, N403S.
Identifiers: ClinVar variation 596575 (VCV000596575.11), dbSNP rs1564182761, ClinGen allele CA374236480.